The following is an entry in ClinVar:

ClinVar aggregate classification (germline): Uncertain significance. Review status: criteria provided, multiple submitters, no conflicts (2 of 4 stars). 2 submissions from 2 submitters: Uncertain significance (2). Last evaluated 2025-04-30.

Conditions:
Cardiovascular phenotype. Identifiers: MedGen CN230736.
Sitosterolemia 1. Identifiers: MedGen C2749759, MONDO:0020747, OMIM 210250.

Allele frequency attached by ClinVar (database versions not stated): gnomAD 0.00001; TOPMed below 0.00001.
gnomAD v4.1: 2 of 1,612,572 alleles (0.00012%); highest among the groups gnomAD compares: Admixed American, 0.0017%; no homozygotes.

Submissions (2):

Ambry Genetics
Classification: Uncertain significance for Cardiovascular phenotype. Last evaluated: 2025-04-30. Review status: criteria provided, single submitter. Criteria: Ambry Variant Classification Scheme 2023. Collection method: clinical testing. Allele origin: germline.
Comment: The p.F494S variant (also known as c.1481T>C), located in coding exon 10 of the ABCG8 gene, results from a T to C substitution at nucleotide position 1481. The phenylalanine at codon 494 is replaced by serine, an amino acid with highly dissimilar properties. This amino acid position is conserved. In addition, the in silico prediction for this alteration is inconclusive. Since supporting evidence is limited at this time, the clinical significance of this alteration remains unclear.

New York Genome Center
Classification: Uncertain significance for Sitosterolemia 1. Last evaluated: 2022-04-22. Review status: criteria provided, single submitter. Criteria: NYGC Assertion Criteria 2020. Collection method: clinical testing. Allele origin: germline. Observed: 1 heterozygote.

NM_022437.3(ABCG8):c.1481T>C (p.Phe494Ser)

Gene: ABCG8 (ATP binding cassette subfamily G member 8; plus strand). Cytogenetic location: 2p21.
Variant type: single nucleotide variant.
Coding change: c.1481T>C on transcript NM_022437.3 (MANE Select); coding-DNA position 1481, T replaced by C.
Protein change: p.Phe494Ser; replaces phenylalanine 494 with serine.
Molecular consequence: missense variant.
Genome position (GRCh38, 1-based): chr2:43,874,476, T>C. VCF-style: chr2-43874476-T-C. GRCh37 (hg19) VCF-style: chr2-44101615-T-C.
Other names: c.1478T>C, p.Phe493Ser (NM_001357321.2); short protein forms F493S, F494S.
Identifiers: ClinVar variation 1773581 (VCV001773581.4), dbSNP rs1669891030, ClinGen allele CA346670006.